The following is an entry in ClinVar:

NM_198253.3(TERT):c.1805C>T (p.Ser602Leu)

Gene: TERT (telomerase reverse transcriptase; minus strand). Cytogenetic location: 5p15.33.
Variant type: single nucleotide variant.
Coding change: c.1805C>T on transcript NM_198253.3 (MANE Select); coding-DNA position 1805, C replaced by T.
Protein change: p.Ser602Leu; replaces serine 602 with leucine.
Molecular consequence: missense variant. On other transcripts: non-coding transcript variant (2).
Genome position (GRCh38, 1-based): chr5:1,280,303, G>A on the plus strand (C>T on the coding strand, the complement: TERT is on the minus strand). VCF-style: chr5-1280303-G-A. GRCh37 (hg19) VCF-style: chr5-1280418-G-A.
Other names: c.1805C>T, p.Ser602Leu (NM_001193376.3); short protein forms S602L.
Identifiers: ClinVar variation 648775 (VCV000648775.11), dbSNP rs759017540, ClinGen allele CA3184752.

ClinVar aggregate classification (germline): Conflicting classifications of pathogenicity. Review status: criteria provided, conflicting classifications (1 of 4 stars). 4 submissions from 4 submitters: Likely pathogenic (1); Uncertain significance (3). Last evaluated 2025-04-15.

Conditions:
Dyskeratosis congenita, autosomal dominant 2. Identifiers: MedGen C3151443, MONDO:0013521, OMIM 613989.
Idiopathic Pulmonary Fibrosis. Also called: Idiopathic fibrosing alveolitis, chronic form; idiopathic fibrosing alveolitis. Identifiers: Orphanet 2032, MedGen C1800706, MeSH D054990, MONDO:0800504.
Dyskeratosis congenita. Identifiers: Orphanet 1775, MedGen C0265965, MONDO:0015780.
TERT-related disorder. Also called: TERT-related disorders; TERT-related condition.

Allele frequency attached by ClinVar (database versions not stated): gnomAD exomes below 0.00001 and 0.00001; TOPMed below 0.00001; ExAC 0.00001; gnomAD 0.00001.
gnomAD v4.1: 9 of 1,613,396 alleles (0.00056%); highest among the groups gnomAD compares: African/African-American, 0.0013%; no homozygotes.

Submissions (4):

Ambry Genetics
Classification: Uncertain significance for Dyskeratosis congenita. Last evaluated: 2025-04-15. Review status: criteria provided, single submitter. Criteria: Ambry Variant Classification Scheme 2023. Collection method: clinical testing. Allele origin: germline.
Comment: The p.S602L variant (also known as c.1805C>T), located in coding exon 4 of the TERT gene, results from a C to T substitution at nucleotide position 1805. The serine at codon 602 is replaced by leucine, an amino acid with dissimilar properties. This amino acid position is highly conserved in available vertebrate species. In addition, the in silico prediction for this alteration is inconclusive. Based on the available evidence, the clinical significance of this variant remains unclear.

Labcorp Genetics (formerly Invitae), Labcorp
Classification: Uncertain significance for Dyskeratosis congenita, autosomal dominant 2; Idiopathic Pulmonary Fibrosis. Last evaluated: 2021-08-28. Review status: criteria provided, single submitter. Criteria: Invitae Variant Classification Sherloc (09022015). Collection method: clinical testing. Allele origin: germline.
Comment: This sequence change replaces serine with leucine at codon 602 of the TERT protein (p.Ser602Leu). The serine residue is highly conserved and there is a large physicochemical difference between serine and leucine. This variant is present in population databases (rs759017540, ExAC 0.002%). This missense change has been observed in individual(s) with idiopathic pulmonary fibrosis (PMID: 30995915). ClinVar contains an entry for this variant (Variation ID: 648775). Algorithms developed to predict the effect of missense changes on protein structure and function are either unavailable or do not agree on the potential impact of this missense change (SIFT: "Deleterious"; PolyPhen-2: "Probably Damaging"; Align-GVGD: "Class C0"). In summary, the available evidence is currently insufficient to determine the role of this variant in disease. Therefore, it has been classified as a Variant of Uncertain Significance.

Blueprint Genetics
Classification: Likely pathogenic for TERT-related disorders. Last evaluated: 2021-08-11. Review status: criteria provided, single submitter. Criteria: ACMG Guidelines, 2015. Collection method: clinical testing. Allele origin: germline. Affected: yes. Observed: 1 variant allele.

Baylor Genetics
Classification: Uncertain significance for Dyskeratosis congenita, autosomal dominant 2. Last evaluated: 2019-08-26. Review status: criteria provided, single submitter. Criteria: ACMG Guidelines, 2015. Collection method: clinical testing. Allele origin: unknown. Affected: yes.
Comment: This variant was determined to be of uncertain significance according to ACMG Guidelines, 2015 [PMID:25741868].

Literature cited by the submitters: PubMed 30995915 (cited by Labcorp Genetics (formerly Invitae), Labcorp).